The following is an entry in ClinVar:

ClinVar aggregate classification (germline): Uncertain significance (1 of 4 stars; one submission).

gnomAD v4.1: 7 of 1,613,904 alleles (0.00043%); highest among the groups gnomAD compares: East Asian, 0.013%; no homozygotes.

Submission:

CeGaT Center for Human Genetics Tuebingen
Classification: Uncertain significance. Last evaluated: 2026-04-01. Review status: criteria provided, single submitter. Criteria: CeGaT Center For Human Genetics Tuebingen Variant Classification Criteria Version 2. Collection method: clinical testing. Allele origin: germline. Affected: yes. Observed: 1 variant allele.
Comment: SPTA1: PM2

NM_003126.4(SPTA1):c.4604A>C (p.Gln1535Pro)

Gene: SPTA1 (spectrin alpha, erythrocytic 1; minus strand). Cytogenetic location: 1q23.1.
Variant type: single nucleotide variant.
Coding change: c.4604A>C on transcript NM_003126.4 (MANE Select); coding-DNA position 4604, A replaced by C.
Protein change: p.Gln1535Pro; replaces glutamine 1535 with proline.
Molecular consequence: missense variant.
Genome position (GRCh38, 1-based): chr1:158,642,815, T>G on the plus strand (A>C on the coding strand, the complement: SPTA1 is on the minus strand). VCF-style: chr1-158642815-T-G. GRCh37 (hg19) VCF-style: chr1-158612605-T-G.
Other names: short protein forms Q1535P.
Identifiers: ClinVar variation 4874821 (VCV004874821.2).